The following is an entry in ClinVar:

NM_016169.4(SUFU):c.746C>T (p.Pro249Leu)

Gene: SUFU (SUFU negative regulator of hedgehog signaling; plus strand). Cytogenetic location: 10q24.32.
Variant type: single nucleotide variant.
Coding change: c.746C>T on transcript NM_016169.4 (MANE Select); coding-DNA position 746, C replaced by T.
Protein change: p.Pro249Leu; replaces proline 249 with leucine.
Molecular consequence: missense variant.
Genome position (GRCh38, 1-based): chr10:102,594,055, C>T. VCF-style: chr10-102594055-C-T. GRCh37 (hg19) VCF-style: chr10-104353812-C-T.
Other names: c.746C>T, p.Pro249Leu (NM_001178133.2); short protein forms P249L.
Identifiers: ClinVar variation 1759053 (VCV001759053.3), dbSNP rs2545087118, ClinGen allele CA377909926.

ClinVar aggregate classification (germline): Uncertain significance (1 of 4 stars; one submission).

Conditions:
Hereditary cancer-predisposing syndrome. Also called: Neoplastic Syndromes, Hereditary; Tumor predisposition; Hereditary Cancer Syndrome; Hereditary neoplastic syndrome. Identifiers: Orphanet 140162, MedGen C0027672, MeSH D009386, MONDO:0015356.

Allele frequency attached by ClinVar (database versions not stated): gnomAD exomes below 0.00001.
gnomAD v4.1: 3 of 1,612,622 alleles (0.00019%); highest among the groups gnomAD compares: Non-Finnish European, 0.00025%; no homozygotes.

Submission:

Ambry Genetics
Classification: Uncertain significance for Hereditary cancer-predisposing syndrome. Last evaluated: 2025-06-27. Review status: criteria provided, single submitter. Criteria: Ambry Variant Classification Scheme 2023. Collection method: clinical testing. Allele origin: germline.
Comment: The p.P249L variant (also known as c.746C>T), located in coding exon 6 of the SUFU gene, results from a C to T substitution at nucleotide position 746. The proline at codon 249 is replaced by leucine, an amino acid with similar properties. This amino acid position is highly conserved in available vertebrate species. In addition, the in silico prediction for this alteration is inconclusive. Based on the available evidence, the clinical significance of this variant remains unclear.